The following is an entry in ClinVar:

ClinVar aggregate classification (germline): Uncertain significance (1 of 4 stars; one submission).

Conditions:
Arterial tortuosity syndrome (ATORS). Identifiers: Orphanet 3342, MedGen C1859726, MONDO:0008818, OMIM 208050.

Allele frequency attached by ClinVar (database versions not stated): gnomAD 0.00001; TOPMed 0.00001; ExAC 0.00003; gnomAD exomes 0.00003.
gnomAD v4.1: 3 of 1,613,994 alleles (0.00019%); highest among the groups gnomAD compares: East Asian, 0.0067%; no homozygotes.

Submission:

Labcorp Genetics (formerly Invitae), Labcorp
Classification: Uncertain significance for Arterial tortuosity syndrome. Last evaluated: 2021-03-07. Review status: criteria provided, single submitter. Criteria: Invitae Variant Classification Sherloc (09022015). Collection method: clinical testing. Allele origin: germline.
Comment: This sequence change replaces aspartic acid with tyrosine at codon 197 of the SLC2A10 protein (p.Asp197Tyr). The aspartic acid residue is moderately conserved and there is a large physicochemical difference between aspartic acid and tyrosine. This variant is present in population databases (rs761874387, ExAC 0.05%). This variant has not been reported in the literature in individuals with SLC2A10-related conditions. Advanced modeling of protein sequence and biophysical properties (such as structural, functional, and spatial information, amino acid conservation, physicochemical variation, residue mobility, and thermodynamic stability) performed at Invitae indicates that this missense variant is not expected to disrupt SLC2A10 protein function. Algorithms developed to predict the effect of sequence changes on RNA splicing suggest that this variant may create or strengthen a splice site, but this prediction has not been confirmed by published transcriptional studies. In summary, the available evidence is currently insufficient to determine the role of this variant in disease. Therefore, it has been classified as a Variant of Uncertain Significance.

NM_030777.4(SLC2A10):c.589G>T (p.Asp197Tyr)

Gene: SLC2A10 (solute carrier family 2 member 10; plus strand). Cytogenetic location: 20q13.12.
Variant type: single nucleotide variant.
Coding change: c.589G>T on transcript NM_030777.4 (MANE Select); coding-DNA position 589, G replaced by T.
Protein change: p.Asp197Tyr; replaces aspartic acid 197 with tyrosine.
Molecular consequence: missense variant.
Genome position (GRCh38, 1-based): chr20:46,725,625, G>T. VCF-style: chr20-46725625-G-T. GRCh37 (hg19) VCF-style: chr20-45354264-G-T.
Other names: short protein forms D197Y.
Identifiers: ClinVar variation 1445640 (VCV001445640.8), dbSNP rs761874387, ClinGen allele CA9892003.
Genomic context (GRCh38, chr20:46,725,625, plus strand): 5'-CTGCAATCCCTCAGCCTCCTCTTCCTCCCTGCTGGTACAGATGAGACTGCAACACACAAG[G>T]ACCTCATCCCACTCCAGGGAGGTGAGGCCCCCAAGCTGGGCCCGGGGAGGCCACGGTACT-3'
Protein context (NP_110404.1, residues 187-207): AGTDETATHK[Asp197Tyr]LIPLQGGEAP